The following is an entry in ClinVar:

ClinVar aggregate classification (germline): Uncertain significance (0 of 4 stars; one submission).

Conditions:
GPBAR1-related disorder. Also called: GPBAR1-related condition.

Allele frequency attached by ClinVar (database versions not stated): ExAC 0.00001; gnomAD 0.00001; gnomAD exomes 0.00001; TOPMed 0.00001.

Submission:

PreventionGenetics, part of Exact Sciences
Classification: Uncertain significance for GPBAR1-related condition. Last evaluated: 2024-02-22. Review status: no assertion criteria provided. Collection method: clinical testing. Allele origin: germline.
Comment: The GPBAR1 c.151G>A variant is predicted to result in the amino acid substitution p.Gly51Ser. To our knowledge, this variant has not been reported in the literature. This variant is reported in 0.0027% of alleles in individuals of European (Non-Finnish) descent in gnomAD. At this time, the clinical significance of this variant is uncertain due to the absence of conclusive functional and genetic evidence.

NM_170699.3(GPBAR1):c.151G>A (p.Gly51Ser)

Gene: GPBAR1 (G protein-coupled bile acid receptor 1; plus strand). Cytogenetic location: 2q35.
Variant type: single nucleotide variant.
Coding change: c.151G>A on transcript NM_170699.3 (MANE Select); coding-DNA position 151, G replaced by A.
Protein change: p.Gly51Ser; replaces glycine 51 with serine.
Molecular consequence: missense variant.
Genome position (GRCh38, 1-based): chr2:218,262,875, G>A. VCF-style: chr2-218262875-G-A. GRCh37 (hg19) VCF-style: chr2-219127598-G-A.
Other names: c.151G>A, p.Gly51Ser (NM_001077191.2, NM_001077194.2, NM_001321950.2); short protein forms G51S.
Identifiers: ClinVar variation 3033072 (VCV003033072.2), dbSNP rs1156510444, ClinGen allele CA2102522.
Genomic context (GRCh38, chr2:218,262,875, plus strand): 5'-GCGAACCTGCTCCTAGCCCTGGGCATCGCCTGGGACCGCCGCCTGCGCAGCCCACCTGCT[G>A]GCTGCTTCTTCCTGAGCCTACTGCTGGCTGGGCTGCTCACGGGTCTGGCATTGCCCACAT-3'
Protein context (NP_733800.1, residues 41-61): WDRRLRSPPA[Gly51Ser]CFFLSLLLAG